The following is an entry in ClinVar:

NM_024642.5(GALNT12):c.1340G>C (p.Gly447Ala)

Gene: GALNT12 (polypeptide N-acetylgalactosaminyltransferase 12; plus strand). Cytogenetic location: 9q22.33.
Variant type: single nucleotide variant.
Coding change: c.1340G>C on transcript NM_024642.5 (MANE Select); coding-DNA position 1340, G replaced by C.
Protein change: p.Gly447Ala; replaces glycine 447 with alanine.
Molecular consequence: missense variant.
Genome position (GRCh38, 1-based): chr9:98,840,129, G>C. VCF-style: chr9-98840129-G-C. GRCh37 (hg19) VCF-style: chr9-101602411-G-C.
Other names: short protein forms G447A.
Identifiers: ClinVar variation 3227914 (VCV003227914.1), dbSNP rs2490542180, ClinGen allele CA374221156.

ClinVar aggregate classification (germline): Uncertain significance (1 of 4 stars; one submission).

Submission:

Ambry Genetics
Classification: Uncertain significance. Last evaluated: 2023-09-25. Review status: criteria provided, single submitter. Criteria: Ambry Variant Classification Scheme 2023. Collection method: clinical testing. Allele origin: germline.
Comment: The p.G447A variant (also known as c.1340G>C), located in coding exon 7 of the GALNT12 gene, results from a G to C substitution at nucleotide position 1340. The glycine at codon 447 is replaced by alanine, an amino acid with similar properties. This amino acid position is conserved. In addition, this alteration is predicted to be deleterious by in silico analysis. Since supporting evidence is limited at this time, the clinical significance of this alteration remains unclear.